The following is an entry in ClinVar:

NM_004629.2(FANCG):c.1008dup (p.Pro337fs)

Gene: FANCG (FA complementation group G; minus strand). Cytogenetic location: 9p13.3.
Variant type: Duplication.
Coding change: c.1008dup on transcript NM_004629.2 (MANE Select); coding-DNA position 1008, one base duplicated (A; older notation c.1008dupA).
Protein change: p.Pro337fs; shifts the reading frame from proline 337.
Molecular consequence: frameshift variant.
Genome position (GRCh38, 1-based): chr9:35,076,500, T duplicated on the plus strand (A on the coding strand, the reverse complement: FANCG is on the minus strand). VCF-style (leftmost placement, unchanged base first): chr9-35076499-G-GT. GRCh37 (hg19) VCF-style: chr9-35076496-G-GT.
Other names: short protein forms P337fs.
Identifiers: ClinVar variation 929690 (VCV000929690.6), dbSNP rs1829086026, ClinGen allele CA1139660969.

ClinVar aggregate classification (germline): Pathogenic. Review status: criteria provided, multiple submitters, no conflicts (2 of 4 stars). 3 submissions from 3 submitters: Pathogenic (2). 1 of the submissions does not count toward it. Last evaluated 2024-06-17.

Conditions:
Fanconi anemia complementation group G. Also called: FANCG-Related Fanconi Anemia; Fanconi anemia group G. Identifiers: Orphanet 84, MedGen C3469527, MONDO:0013565, OMIM 614082.
Fanconi anemia (FA). Also called: Fanconi's anemia. Identifiers: Orphanet 84, MedGen C0015625, MeSH D005199, MONDO:0019391.

Allele frequency attached by ClinVar (database versions not stated): gnomAD exomes below 0.00001.

Submissions (3):

Fulgent Genetics
Classification: Pathogenic for Fanconi anemia complementation group G. Last evaluated: 2024-06-17. Review status: criteria provided, single submitter. Criteria: ACMG Guidelines, 2015. Collection method: clinical testing. Allele origin: germline.

Labcorp Genetics (formerly Invitae), Labcorp
Classification: Pathogenic for Fanconi anemia. Last evaluated: 2022-09-29. Review status: criteria provided, single submitter. Criteria: Invitae Variant Classification Sherloc (09022015). Collection method: clinical testing. Allele origin: germline.
Comment: For these reasons, this variant has been classified as Pathogenic. ClinVar contains an entry for this variant (Variation ID: 929690). This premature translational stop signal has been observed in individual(s) with Fanconi anemia (PMID: 12552564). This variant is not present in population databases (gnomAD no frequency). This sequence change creates a premature translational stop signal (p.Pro337Thrfs*41) in the FANCG gene. It is expected to result in an absent or disrupted protein product. Loss-of-function variants in FANCG are known to be pathogenic (PMID: 12552564).

Leiden Open Variation Database
Classification: Pathogenic for Fanconi anemia complementation group G. Last evaluated: 2020-02-28. Review status: no assertion criteria provided. Collection method: curation. Allele origin: germline. Affected: yes. Not counted in ClinVar's aggregate classification.
Comment: Curator: Arleen D. Auerbach. Submitter to LOVD: Arleen D. Auerbach.

Literature cited by the submitters: PubMed 12552564 (cited by Labcorp Genetics (formerly Invitae), Labcorp and Leiden Open Variation Database).